The following is an entry in ClinVar:

ClinVar aggregate classification (germline): Uncertain significance (1 of 4 stars; one submission).

Submission:

Labcorp Genetics (formerly Invitae), Labcorp
Classification: Uncertain significance. Last evaluated: 2025-11-04. Review status: criteria provided, single submitter. Criteria: Invitae Variant Classification Sherloc (09022015). Collection method: clinical testing. Allele origin: germline.
Comment: This sequence change replaces glutamic acid, which is acidic and polar, with aspartic acid, which is acidic and polar, at codon 471 of the FSCN2 protein (p.Glu471Asp). This variant is not present in population databases (gnomAD no frequency). This variant has not been reported in the literature in individuals affected with FSCN2-related conditions. An algorithm developed to predict the effect of missense changes on protein structure and function (PolyPhen-2) suggests that this variant is likely to be disruptive. In summary, the available evidence is currently insufficient to determine the role of this variant in disease. Therefore, it has been classified as a Variant of Uncertain Significance.

NM_012418.4(FSCN2):c.1341G>T (p.Glu447Asp)

Gene: FSCN2 (fascin actin-bundling protein 2, retinal; plus strand). Cytogenetic location: 17q25.3.
Variant type: single nucleotide variant.
Coding change: c.1341G>T on transcript NM_012418.4 (MANE Select); coding-DNA position 1341, G replaced by T.
Protein change: p.Glu447Asp; replaces glutamic acid 447 with aspartic acid.
Molecular consequence: missense variant.
Genome position (GRCh38, 1-based): chr17:81,536,942, G>T. VCF-style: chr17-81536942-G-T. GRCh37 (hg19) VCF-style: chr17-79503968-G-T.
Other names: c.1413G>T, p.Glu471Asp (NM_001077182.3); short protein forms E471D, E447D.
Identifiers: ClinVar variation 4730507 (VCV004730507.1).